The following is an entry in ClinVar:

NM_019066.5(MAGEL2):c.1949A>G (p.Gln650Arg)

Gene: MAGEL2 (MAGE family member L2; minus strand). Cytogenetic location: 15q11.2.
Variant type: single nucleotide variant.
Coding change: c.1949A>G on transcript NM_019066.5 (MANE Select); coding-DNA position 1949, A replaced by G.
Protein change: p.Gln650Arg; replaces glutamine 650 with arginine.
Molecular consequence: missense variant.
Genome position (GRCh38, 1-based): chr15:23,645,794, T>C on the plus strand (A>G on the coding strand, the complement: MAGEL2 is on the minus strand). VCF-style: chr15-23645794-T-C. GRCh37 (hg19) VCF-style: chr15-23890941-T-C.
Other names: c.1949A>G (NM_019066.4); short protein forms Q650R.
Identifiers: ClinVar variation 281540 (VCV000281540.10), dbSNP rs776312553, ClinGen allele CA7429994.
Genomic context (GRCh38, chr15:23,645,794, plus strand): 5'-GCCTGGGCCTGCTGGGGGGGTAGCTGGATTTGCACGGCTTTTTGGGAGGGCGGGGCTCCC[T>C]GAAAGGGCTGCTCCAGCTGGACCAAGGGGGGAGCCTGCCTCTGGGCCTCCTGGGCAGGCA-3'
Protein context (NP_061939.3, residues 640-660): PPLVQLEQPF[Gln650Arg]GAPPSQKAVQ

ClinVar aggregate classification (germline): Uncertain significance. Review status: criteria provided, multiple submitters, no conflicts (2 of 4 stars). 4 submissions from 4 submitters: Uncertain significance (3). 1 of the submissions does not count toward it. Last evaluated 2025-10-30.

Conditions:
MAGEL2-related disorder. Also called: MAGEL2-related condition.
Inborn genetic diseases. Identifiers: MedGen C0950123, MeSH D030342.

Allele frequency attached by ClinVar (database versions not stated): gnomAD exomes 0.00001; ExAC 0.00002; TOPMed 0.00006; gnomAD 0.00011 and 0.00013.
gnomAD v4.1: 29 of 1,590,630 alleles (0.0018%); highest among the groups gnomAD compares: African/African-American, 0.039%; no homozygotes.

Submissions (4):

Ambry Genetics
Classification: Uncertain significance for Inborn genetic diseases. Last evaluated: 2025-10-30. Review status: criteria provided, single submitter. Criteria: Ambry Variant Classification Scheme 2023. Collection method: clinical testing. Allele origin: germline.

Labcorp Genetics (formerly Invitae), Labcorp
Classification: Uncertain significance. Last evaluated: 2024-06-09. Review status: criteria provided, single submitter. Criteria: Invitae Variant Classification Sherloc (09022015). Collection method: clinical testing. Allele origin: germline.
Comment: This sequence change replaces glutamine, which is neutral and polar, with arginine, which is basic and polar, at codon 650 of the MAGEL2 protein (p.Gln650Arg). The frequency data for this variant in the population databases is considered unreliable, as metrics indicate poor data quality at this position in the gnomAD database. This variant has not been reported in the literature in individuals affected with MAGEL2-related conditions. ClinVar contains an entry for this variant (Variation ID: 281540). Advanced modeling of protein sequence and biophysical properties (such as structural, functional, and spatial information, amino acid conservation, physicochemical variation, residue mobility, and thermodynamic stability) performed at Invitae indicates that this missense variant is not expected to disrupt MAGEL2 protein function with a negative predictive value of 80%. In summary, the available evidence is currently insufficient to determine the role of this variant in disease. Therefore, it has been classified as a Variant of Uncertain Significance.

Eurofins Ntd Llc (ga)
Classification: Uncertain significance. Last evaluated: 2015-06-16. Review status: criteria provided, single submitter. Criteria: EGL Classification Definitions 2015. Collection method: clinical testing. Allele origin: germline. Observed: 1 variant allele, 1 heterozygote.

PreventionGenetics, part of Exact Sciences
Classification: Uncertain significance for MAGEL2-related condition. Last evaluated: 2024-04-10. Review status: no assertion criteria provided. Collection method: clinical testing. Allele origin: germline. Not counted in ClinVar's aggregate classification.
Comment: The MAGEL2 c.1949A>G variant is predicted to result in the amino acid substitution p.Gln650Arg. To our knowledge, this variant has not been reported in the literature. This variant is reported in 0.020% of alleles in individuals of African descent in gnomAD, which is likely too common for an undocumented disease-causing variant. Although we suspect that this variant may be benign, at this time, the clinical significance of this variant is uncertain due to the absence of conclusive functional and genetic evidence.